The following is an entry in ClinVar:

NM_001267550.2(TTN):c.66767T>G (p.Leu22256Ter)

Genes: TTN (titin; minus strand), TTN-AS1 (TTN antisense RNA 1; plus strand). Cytogenetic location: 2q31.2.
Variant type: single nucleotide variant.
Coding change: c.66767T>G on transcript NM_001267550.2 (MANE Select); coding-DNA position 66767, T replaced by G.
Protein change: p.Leu22256Ter; replaces leucine 22256 with a stop codon.
Molecular consequence: nonsense.
Genome position (GRCh38, 1-based): chr2:178,581,501, A>C on the plus strand (T>G on the coding strand, the complement: TTN is on the minus strand). VCF-style: chr2-178581501-A-C. GRCh37 (hg19) VCF-style: chr2-179446228-A-C.
Other names: c.61844T>G, p.Leu20615Ter (NM_001256850.1); c.39572T>G, p.Leu13191Ter (NM_003319.4); c.59063T>G, p.Leu19688Ter (NM_133378.4); c.39947T>G, p.Leu13316Ter (NM_133432.3); c.40148T>G, p.Leu13383Ter (NM_133437.4); short protein forms L20615*, L22256*, L13316*, L13191*, L13383*, L19688*.
Identifiers: ClinVar variation 420810 (VCV000420810.2), dbSNP rs1064794716, ClinGen allele CA16617363.

ClinVar aggregate classification (germline): Likely pathogenic (1 of 4 stars; one submission).

Allele frequency attached by ClinVar (database versions not stated): gnomAD exomes below 0.00001.
gnomAD v4.1: 1 of 1,586,718 alleles (0.000063%); highest among the groups gnomAD compares: Non-Finnish European, 0.000086%; no homozygotes.

Submission:

GeneDx
Classification: Likely pathogenic. Last evaluated: 2016-03-25. Review status: criteria provided, single submitter. Criteria: GeneDx Variant Classification (06012015). Collection method: clinical testing. Allele origin: germline. Affected: yes.
Comment: The L20615X variant in the TTN gene has not been reported previously as a pathogenic variant noras a benign variant, to our knowledge. This variant is predicted to cause loss of normal proteinfunction either through protein truncation or nonsense-mediated mRNA decay. While approximately3% of control alleles harbor truncating TTN variants, this variant is located in the A-band of TTNwhere the majority of disease-associated variants occur. Furthermore, the L20615X variant was notobserved in approximately 6000 individuals of European and African American ancestry in theNHLBI Exome Sequencing Project, indicating it is not a common benign variant in these populations.